The following is an entry in ClinVar:

ClinVar aggregate classification (germline): Uncertain significance (1 of 4 stars; one submission).

Submission:

Ambry Genetics
Classification: Uncertain significance. Last evaluated: 2025-11-24. Review status: criteria provided, single submitter. Criteria: Ambry Variant Classification Scheme 2023. Collection method: clinical testing. Allele origin: germline.
Comment: The c.275T>C (p.V92A) alteration is located in exon 3 (coding exon 3) of the ITIH6 gene. This alteration results from a T to C substitution at nucleotide position 275, causing the valine (V) at amino acid position 92 to be replaced by an alanine (A). Based on data from gnomAD, the C allele has an overall frequency of <0.001% (1/182758) total alleles studied. The highest observed frequency was 0.004% (1/27309) of Latino alleles. Based on insufficient or conflicting evidence, the clinical significance of this alteration remains unclear.

NM_198510.3(ITIH6):c.275T>C (p.Val92Ala)

Gene: ITIH6 (inter-alpha-trypsin inhibitor heavy chain family member 6; minus strand). Cytogenetic location: Xp11.22.
Variant type: single nucleotide variant.
Coding change: c.275T>C on transcript NM_198510.3 (MANE Select); coding-DNA position 275, T replaced by C.
Protein change: p.Val92Ala; replaces valine 92 with alanine.
Molecular consequence: missense variant.
Genome position (GRCh38, 1-based): chrX:54,792,019, A>G on the plus strand (T>C on the coding strand, the complement: ITIH6 is on the minus strand). VCF-style: chrX-54792019-A-G. GRCh37 (hg19) VCF-style: chrX-54818452-A-G.
Other names: short protein forms V92A.
Identifiers: ClinVar variation 4680092 (VCV004680092.1).